The following is an entry in ClinVar:

ClinVar aggregate classification (germline): Likely benign (0 of 4 stars; one submission).

Conditions:
RAP1B-related disorder. Also called: RAP1B-related condition.

Allele frequency attached by ClinVar (database versions not stated): gnomAD exomes 0.00002; ExAC 0.00008; gnomAD 0.00034; TOPMed 0.00036; ESP Exome Variant Server 0.00054.
gnomAD v4.1: 84 of 1,610,492 alleles (0.0052%); highest among the groups gnomAD compares: African/African-American, 0.093%; no homozygotes.

Submission:

PreventionGenetics, part of Exact Sciences
Classification: Likely benign for RAP1B-related condition. Last evaluated: 2019-07-30. Review status: no assertion criteria provided. Collection method: clinical testing. Allele origin: germline.
Comment: This variant is classified as likely benign based on ACMG/AMP sequence variant interpretation guidelines (Richards et al. 2015 PMID: 25741868, with internal and published modifications).

NM_001010942.3(RAP1B):c.405A>G (p.Ala135=)

Gene: RAP1B (RAP1B, member of RAS oncogene family; plus strand). Cytogenetic location: 12q15.
Variant type: single nucleotide variant.
Coding change: c.405A>G on transcript NM_001010942.3 (MANE Select); coding-DNA position 405, A replaced by G.
Protein change: p.Ala135=; no amino-acid change (alanine 135 retained).
Molecular consequence: synonymous variant.
Genome position (GRCh38, 1-based): chr12:68,656,386, A>G. VCF-style: chr12-68656386-A-G. GRCh37 (hg19) VCF-style: chr12-69050166-A-G.
Other names: c.279A>G, p.Ala93= (NM_001251917.2, NM_001251918.2); c.348A>G, p.Ala116= (NM_001251921.2); c.264A>G, p.Ala88= (NM_001251922.2); c.405A>G, p.Ala135= (NM_015646.6).
Identifiers: ClinVar variation 3034954 (VCV003034954.2), dbSNP rs150517257, ClinGen allele CA6677172.